The following is an entry in ClinVar:

NM_006231.4(POLE):c.2929G>A (p.Gly977Arg)

Gene: POLE (DNA polymerase epsilon, catalytic subunit; minus strand). Cytogenetic location: 12q24.33.
Variant type: single nucleotide variant.
Coding change: c.2929G>A on transcript NM_006231.4 (MANE Select); coding-DNA position 2929, G replaced by A.
Protein change: p.Gly977Arg; replaces glycine 977 with arginine.
Molecular consequence: missense variant.
Genome position (GRCh38, 1-based): chr12:132,661,100, C>T on the plus strand (G>A on the coding strand, the complement: POLE is on the minus strand). VCF-style: chr12-132661100-C-T. GRCh37 (hg19) VCF-style: chr12-133237686-C-T.
Other names: short protein forms G977R.
Identifiers: ClinVar variation 847517 (VCV000847517.11), dbSNP rs142563997, ClinGen allele CA6893399.
Genomic context (GRCh38, chr12:132,661,100, plus strand): 5'-TGCCCTTGAGGAAGGCCTCAAACACCGAGGATTGGAAGATCTTAATCAGCTGCAGTTCCC[C>T]GCGGCGTTTGACCTCAAAGCCCTTGAGCTCAGCCAGAGAACCGTCTTCATTGAACACAGC-3'
Protein context (NP_006222.2, residues 967-987): ELKGFEVKRR[Gly977Arg]ELQLIKIFQS

ClinVar aggregate classification (germline): Uncertain significance. Review status: criteria provided, single submitter (1 of 4 stars). 2 submissions from 2 submitters: Uncertain significance (1). 1 of the submissions does not count toward it. Last evaluated 2026-01-10.

Conditions:
Colorectal cancer. Also called: Malignant Colorectal Neoplasm; Colorectal cancer, somatic. Identifiers: MedGen C0346629, MONDO:0005575, OMIM 114500.

Allele frequency attached by ClinVar (database versions not stated): gnomAD 0.00001; ESP Exome Variant Server 0.00008; gnomAD exomes 0.00002 and 0.00003; ExAC 0.00003.
gnomAD v4.1: 28 of 1,613,892 alleles (0.0017%); highest among the groups gnomAD compares: Admixed American, 0.0017%; no homozygotes.

Submissions (2):

Labcorp Genetics (formerly Invitae), Labcorp
Classification: Uncertain significance. Last evaluated: 2026-01-10. Review status: criteria provided, single submitter. Criteria: Invitae Variant Classification Sherloc (09022015). Collection method: clinical testing. Allele origin: germline.
Comment: This sequence change replaces glycine, which is neutral and non-polar, with arginine, which is basic and polar, at codon 977 of the POLE protein (p.Gly977Arg). This variant is present in population databases (rs142563997, gnomAD 0.02%). This missense change has been observed in individual(s) with colorectal cancer (PMID: 34549727). ClinVar contains an entry for this variant (Variation ID: 847517). Invitae Evidence Modeling of protein sequence and biophysical properties (such as structural, functional, and spatial information, amino acid conservation, physicochemical variation, residue mobility, and thermodynamic stability) indicates that this missense variant is expected to disrupt POLE protein function with a positive predictive value of 80%. In summary, the available evidence is currently insufficient to determine the role of this variant in disease. Therefore, it has been classified as a Variant of Uncertain Significance.

Division of Gastroenterology and Hepatology, Shanghai Institute of Digestive Disease, Shanghai Jiao Tong University School of Medicine.
Classification: Likely pathogenic for Colorectal cancer. Last evaluated: 2021-07-19. Review status: no assertion criteria provided. Collection method: research. Allele origin: germline. Inheritance: Autosomal dominant inheritance. Affected: yes. Observed: 1 variant allele, 1 compound heterozygote. Not counted in ClinVar's aggregate classification.
Comment: The Gly977Arg variant in POLE has been reported in 1 Chinese family with autosomal dominant predisposition in familial colorectal cancer (CRC).

Literature cited by the submitters: PubMed 34549727 (cited by Labcorp Genetics (formerly Invitae), Labcorp).